The following is an entry in ClinVar:

ClinVar aggregate classification (germline): Uncertain significance (1 of 4 stars; one submission).

Submission:

Labcorp Genetics (formerly Invitae), Labcorp
Classification: Uncertain significance. Last evaluated: 2025-03-18. Review status: criteria provided, single submitter. Criteria: Invitae Variant Classification Sherloc (09022015). Collection method: clinical testing. Allele origin: germline.
Comment: This sequence change falls in intron 38 of the USH2A gene. It does not directly change the encoded amino acid sequence of the USH2A protein. It affects a nucleotide within the consensus splice site. This variant is not present in population databases (gnomAD no frequency). This variant has been observed in individual(s) with deafness (internal data). In at least one individual the data is consistent with being in trans (on the opposite chromosome) from a pathogenic variant. Variants that disrupt the consensus splice site are a relatively common cause of aberrant splicing (PMID: 17576681, 9536098). Algorithms developed to predict the effect of sequence changes on RNA splicing suggest that this variant is not likely to affect RNA splicing. In summary, the available evidence is currently insufficient to determine the role of this variant in disease. Therefore, it has been classified as a Variant of Uncertain Significance.

Literature cited by the submitters: PubMed 17576681; PubMed 9536098.

NM_206933.4(USH2A):c.7300+5G>T

Gene: USH2A (usherin; minus strand). Cytogenetic location: 1q41.
Variant type: single nucleotide variant.
Coding change: c.7300+5G>T on transcript NM_206933.4 (MANE Select); 5 bases into the intron after coding-DNA position 7300, G replaced by T.
Molecular consequence: intron variant.
Genome position (GRCh38, 1-based): chr1:215,934,611, C>A on the plus strand (G>T on the coding strand, the complement: USH2A is on the minus strand). VCF-style: chr1-215934611-C-A. GRCh37 (hg19) VCF-style: chr1-216107953-C-A.
Identifiers: ClinVar variation 3730462 (VCV003730462.2).